The following is an entry in ClinVar:

NM_001378778.1(MPDZ):c.4307T>C (p.Val1436Ala)

Gene: MPDZ (multiple PDZ domain crumbs cell polarity complex component; minus strand). Cytogenetic location: 9p23.
Variant type: single nucleotide variant.
Coding change: c.4307T>C on transcript NM_001378778.1 (MANE Select); coding-DNA position 4307, T replaced by C.
Protein change: p.Val1436Ala; replaces valine 1436 with alanine.
Molecular consequence: missense variant.
Genome position (GRCh38, 1-based): chr9:13,136,168, A>G on the plus strand (T>C on the coding strand, the complement: MPDZ is on the minus strand). VCF-style: chr9-13136168-A-G. GRCh37 (hg19) VCF-style: chr9-13136167-A-G.
Other names: c.4208T>C, p.Val1403Ala (NM_001261406.2, NM_001261407.2, NM_001375416.1 and 3 more transcripts); c.4307T>C, p.Val1436Ala (NM_001330637.2, NM_001375413.1, NM_003829.5); c.4097T>C, p.Val1366Ala (NM_001375420.1, NM_001375421.1, NM_001375422.1 and 4 more transcripts); c.3899T>C, p.Val1300Ala (NM_001375427.1); short protein forms V1300A, V1366A, V1403A, V1436A.
Identifiers: ClinVar variation 1010756 (VCV001010756.8), dbSNP rs931106596, ClinGen allele CA189296407.
Genomic context (GRCh38, chr9:13,136,168, plus strand): 5'-TTTTCTGAGTTAGAAGGCAAAGGTTCTACTGCATTTCCAGGACATACGGCCATCTGATTC[A>G]CTGCATCTTTATTTCTAAAAGCAAAAAAACAACAACCTATTATAACATCATGGTATTATT-3'
Protein context (NP_001365707.1, residues 1426-1446): KIIFIRNKDA[Val1436Ala]NQMAVCPGNA

ClinVar aggregate classification (germline): Uncertain significance (1 of 4 stars; one submission).

Allele frequency attached by ClinVar (database versions not stated): TOPMed below 0.00001; gnomAD 0.00001.
gnomAD v4.1: 2 of 1,611,772 alleles (0.00012%); highest among the groups gnomAD compares: African/African-American, 0.0013%; no homozygotes.

Submission:

Labcorp Genetics (formerly Invitae), Labcorp
Classification: Uncertain significance. Last evaluated: 2020-10-04. Review status: criteria provided, single submitter. Criteria: Invitae Variant Classification Sherloc (09022015). Collection method: clinical testing. Allele origin: germline.
Comment: This variant is not present in population databases (ExAC no frequency). This sequence change replaces valine with alanine at codon 1436 of the MPDZ protein (p.Val1436Ala). The valine residue is highly conserved and there is a small physicochemical difference between valine and alanine. This variant has not been reported in the literature in individuals with MPDZ-related conditions. Algorithms developed to predict the effect of missense changes on protein structure and function are either unavailable or do not agree on the potential impact of this missense change (SIFT: "Deleterious"; PolyPhen-2: "Benign"; Align-GVGD: "Class C55"). In summary, the available evidence is currently insufficient to determine the role of this variant in disease. Therefore, it has been classified as a Variant of Uncertain Significance.